The following is an entry in ClinVar:

ClinVar aggregate classification (germline): Likely pathogenic. Review status: criteria provided, multiple submitters, no conflicts (2 of 4 stars). 2 submissions from 2 submitters: Likely pathogenic (2). Last evaluated 2026-01-26.

Conditions:
GPR143-related foveal hypoplasia. Identifiers: MedGen CN375905, MONDO:0700230.
GPR143-related disorders.

Submissions (2):

Medical and Scientific Branch, Hong Kong Genome Institute
Classification: Likely pathogenic for GPR143-related foveal hypoplasia. Last evaluated: 2026-01-26. Review status: criteria provided, single submitter. Criteria: ACMG Guidelines, 2015. Collection method: clinical testing. Allele origin: maternal. Affected: yes.

Division of Genetic & Genomic Pathology, Hong Kong Children's Hospital
Classification: Likely pathogenic for GPR143-related disorders. Last evaluated: 2024-07-22. Review status: criteria provided, single submitter. Criteria: ACMG Guidelines, 2015. Collection method: clinical testing. Allele origin: germline. Affected: yes.
Comment: The GPR143 c.162_165dup p.(Gly56ArgfsTer46) duplication variant is located in exon 1 out of 9 exons. It is predicted to cause a frameshift and create a premature termination codon, leading to loss of normal protein function by nonsense-mediated mRNA decay. The variant is absent in control population databases (gnomAD v.2.1.1 and v4.1.0). Numerous downstream truncating variants have been reported to be pathogenic for ocular albinism. For these reasons, the variant is considered to be likely pathogenic.

NM_000273.3(GPR143):c.162_165dup (p.Gly56fs)

Gene: GPR143 (G protein-coupled receptor 143; minus strand). Cytogenetic location: Xp22.2.
Variant type: Microsatellite.
Coding change: c.162_165dup on transcript NM_000273.3 (MANE Select); coding-DNA positions 162 to 165, 4 bases duplicated (CGCG; older notation c.162_165dupCGCG).
Protein change: p.Gly56fs; shifts the reading frame from glycine 56.
Molecular consequence: frameshift variant.
Genome position (GRCh38, 1-based): chrX:9,765,653-9,765,656, CGCG duplicated on the plus strand (CGCG on the coding strand, the reverse complement: GPR143 is on the minus strand). VCF-style (leftmost placement, unchanged base first): chrX-9765652-C-CCGCG. GRCh37 (hg19) VCF-style: chrX-9733692-C-CCGCG.
Other names: c.162_165dup, p.Gly56fs (NM_001440781.1); short protein forms G56fs.
Identifiers: ClinVar variation 4755542 (VCV004755542.2).